The following is an entry in ClinVar:

ClinVar aggregate classification (germline): Pathogenic (1 of 4 stars; one submission).

Conditions:
Congenital myasthenic syndrome 8. Also called: MYASTHENIC SYNDROME, CONGENITAL, DUE TO AGRIN DEFICIENCY; Myasthenic syndrome, congenital, 8, with pre- and postsynaptic defects. Identifiers: Orphanet 590, MedGen C3808739, MONDO:0014052, OMIM 615120.

Submission:

Labcorp Genetics (formerly Invitae), Labcorp
Classification: Pathogenic for Congenital myasthenic syndrome 8. Last evaluated: 2024-12-19. Review status: criteria provided, single submitter. Criteria: Invitae Variant Classification Sherloc (09022015). Collection method: clinical testing. Allele origin: germline.
Comment: This sequence change creates a premature translational stop signal (p.Ser1060Alafs*6) in the AGRN gene. It is expected to result in an absent or disrupted protein product. Loss-of-function variants in AGRN are known to be pathogenic (PMID: 24951643). This variant is not present in population databases (gnomAD no frequency). This variant has not been reported in the literature in individuals affected with AGRN-related conditions. For these reasons, this variant has been classified as Pathogenic.

Literature cited by the submitters: PubMed 24951643.

NM_198576.4(AGRN):c.3178_3196del (p.Ser1060fs)

Gene: AGRN (agrin; plus strand). Cytogenetic location: 1p36.33.
Variant type: Deletion.
Coding change: c.3178_3196del on transcript NM_198576.4 (MANE Select); coding-DNA positions 3178 to 3196, 19 bases deleted (TCTGGCAGCACTGATGGAA).
Protein change: p.Ser1060fs; shifts the reading frame from serine 1060.
Molecular consequence: frameshift variant.
Genome position (GRCh38, 1-based): chr1:1,046,663-1,046,681, TCTGGCAGCACTGATGGAA deleted; deleting any 19 consecutive bases within chr1:1,046,660-1,046,681 gives the same sequence; the c. name uses the placement nearest the transcript's 3' end. VCF-style (leftmost placement, unchanged base first): chr1-1046659-TGAATCTGGCAGCACTGATG-T. GRCh37 (hg19) VCF-style: chr1-982039-TGAATCTGGCAGCACTGATG-T.
Other names: c.3178_3196del, p.Ser1060fs (NM_001305275.2); c.2863_2881del, p.Ser955fs (NM_001364727.2); short protein forms S955fs, S1060fs.
Identifiers: ClinVar variation 3724686 (VCV003724686.2).